The following is an entry in ClinVar:

NM_032608.7(MYO18B):c.1365G>C (p.Gly455=)

Gene: MYO18B (myosin XVIIIB; plus strand). Cytogenetic location: 22q12.1.
Variant type: single nucleotide variant.
Coding change: c.1365G>C on transcript NM_032608.7 (MANE Select); coding-DNA position 1365, G replaced by C.
Protein change: p.Gly455=; no amino-acid change (glycine 455 retained).
Molecular consequence: synonymous variant.
Genome position (GRCh38, 1-based): chr22:25,769,281, G>C. VCF-style: chr22-25769281-G-C. GRCh37 (hg19) VCF-style: chr22-26165248-G-C.
Other names: c.1365G>C, p.Gly455= (NM_001318245.2).
Identifiers: ClinVar variation 5040600 (VCV005040600.1).

ClinVar aggregate classification (germline): Likely benign (1 of 4 stars; one submission).

gnomAD v4.1: 6 of 1,586,128 alleles (0.00038%); highest among the groups gnomAD compares: East Asian, 0.014%; no homozygotes.

Submission:

CeGaT Center for Human Genetics Tuebingen
Classification: Likely benign. Last evaluated: 2026-08-01. Review status: criteria provided, single submitter. Criteria: CeGaT Center For Human Genetics Tuebingen Variant Classification Criteria Version 2. Collection method: clinical testing. Allele origin: germline. Affected: yes. Observed: 1 variant allele.
Comment: MYO18B: BP4, BP7